The following is an entry in ClinVar:

ClinVar aggregate classification (germline): Pathogenic (0 of 4 stars; one submission).

Conditions:
Steinert myotonic dystrophy syndrome (DM1). Also called: STEINERT DISEASE; Myotonic dystrophy type 1; Dystrophia myotonica type 1; Steinert myotonic dystrophy; Steinert's disease. Identifiers: Orphanet 273, MedGen C3250443, MONDO:0008056, OMIM 160900.

Submission:

Institute of Molecular, Cell and Systems Biology, University of Glasgow
Classification: Pathogenic for Steinert myotonic dystrophy syndrome. Review status: no assertion criteria provided. Criteria: research. Collection method: research. Allele origin: germline. Inheritance: Autosomal dominant inheritance. Affected: yes. Observed: 1 heterozygote.
Comment: DMPK CTG repeat expansions greater than approximately 45-50 repeats are assumed to be pathogenic

This record is based on data published in PubMed 25052313, which reports only ClinVar accessions SCV000120188 and SCV000120189. The complete data set includes SCV000207445 - SCV000207579.

Literature cited by the submitters: PubMed 1346923; PubMed 1546326; PubMed 25052313.

NM_004409.5(DMPK):c.*224CTG[688]

Genes: DM1-AS (DM1 locus antisense RNA; plus strand), DMPK (DM1 protein kinase; minus strand), LOC107075317 (origin of replication in DMPK trinucleotide repeat region; plus strand), LOC109461477 (dystrophia myotonica protein kinase repeat instability region; plus strand). Cytogenetic location: 19q13.32.
Variant type: Microsatellite.
Coding change: c.*224CTG[688] on transcript NM_004409.5 (MANE Select); 688 copies in a row of the 3-base unit CTG starting at c.*224.
Molecular consequence: 3 prime UTR variant.
Genome position: GRCh38, VCF-style position (the base before the change): chr19:45,770,204. GRCh37 (hg19), VCF-style position (the base before the change): chr19:46,273,462.
Other names: DM1 CTG repeat expansion; c.*224CTG[688] (NM_001424169.1, NM_001081560.3, NM_001288764.2 and 1 more transcripts); c.*217CTG[688] (NM_001081562.3, NM_001288765.2, NM_001424162.1 and 2 more transcripts); c.*222_*224TGC[688] (NM_001081563.3); c.*369CTG[688] (NM_001288766.2, NM_001424164.1, NM_001424168.1).
Identifiers: ClinVar variation 188021 (VCV000188021.1), ClinGen allele CA915951849.